The following is an entry in ClinVar:

NM_004360.5(CDH1):c.1255G>C (p.Asp419His)

Gene: CDH1 (cadherin 1; plus strand). Cytogenetic location: 16q22.1.
Variant type: single nucleotide variant.
Coding change: c.1255G>C on transcript NM_004360.5 (MANE Select); coding-DNA position 1255, G replaced by C.
Protein change: p.Asp419His; replaces aspartic acid 419 with histidine.
Molecular consequence: missense variant. On other transcripts: 5 prime UTR variant (2), intron variant (1).
Genome position (GRCh38, 1-based): chr16:68,813,430, G>C. VCF-style: chr16-68813430-G-C. GRCh37 (hg19) VCF-style: chr16-68847333-G-C.
Other names: c.-361G>C (NM_001317185.2); c.-565G>C (NM_001317186.2); c.1137+1167G>C (NM_001317184.2); short protein forms D419H.
Identifiers: ClinVar variation 3640517 (VCV003640517.2).
Genomic context (GRCh38, chr16:68,813,430, plus strand): 5'-ACTGATGCTGATGCCCCCAATACCCCAGCGTGGGAGGCTGTATACACCATATTGAATGAT[G>C]ATGGTGGACAATTTGTCGTCACCACAAATCCAGTGAACAACGATGGCATTTTGAAAACAG-3'
Protein context (NP_004351.1, residues 409-429): WEAVYTILND[Asp419His]GGQFVVTTNP

ClinVar aggregate classification (germline): Uncertain significance (1 of 4 stars; one submission).

Conditions:
Hereditary diffuse gastric adenocarcinoma (HDGC). Also called: DIFFUSE GASTRIC AND LOBULAR BREAST CANCER SYNDROME. Identifiers: Orphanet 26106, MedGen C1708349, MONDO:0007648, OMIM 137215.

Submission:

Labcorp Genetics (formerly Invitae), Labcorp
Classification: Uncertain significance for Hereditary diffuse gastric adenocarcinoma. Last evaluated: 2024-02-13. Review status: criteria provided, single submitter. Criteria: Invitae Variant Classification Sherloc (09022015). Collection method: clinical testing. Allele origin: germline.
Comment: This sequence change replaces aspartic acid, which is acidic and polar, with histidine, which is basic and polar, at codon 419 of the CDH1 protein (p.Asp419His). This variant is not present in population databases (gnomAD no frequency). This variant has not been reported in the literature in individuals affected with CDH1-related conditions. An algorithm developed to predict the effect of missense changes on protein structure and function (PolyPhen-2) suggests that this variant is likely to be disruptive. In summary, the available evidence is currently insufficient to determine the role of this variant in disease. Therefore, it has been classified as a Variant of Uncertain Significance.